The following is an entry in ClinVar:

NM_000551.4(VHL):c.499C>T (p.Arg167Trp)

Genes: VHL (von Hippel-Lindau tumor suppressor; plus strand), LOC107303340 (3p25 von Hippel-Lindau tumor suppressor, E3 ubiquitin protein ligase Alu-mediated recombination region; plus strand). Cytogenetic location: 3p25.3.
Variant type: single nucleotide variant.
Coding change: c.499C>T on transcript NM_000551.4 (MANE Select); coding-DNA position 499, C replaced by T.
Protein change: p.Arg167Trp; replaces arginine 167 with tryptophan.
Molecular consequence: missense variant. On other transcripts: 3 prime UTR variant (1).
Genome position (GRCh38, 1-based): chr3:10,149,822, C>T. VCF-style: chr3-10149822-C-T. GRCh37 (hg19) VCF-style: chr3-10191506-C-T.
Other names: p.R167W:CGG>TGG; c.*53C>T (NM_001354723.2); c.376C>T, p.Arg126Trp (NM_198156.3); short protein forms R167W, R126W.
Identifiers: ClinVar variation 2218 (VCV000002218.45), dbSNP rs5030820, ClinGen allele CA020450.

ClinVar aggregate classification (germline): Pathogenic/Likely pathogenic. Review status: criteria provided, multiple submitters, no conflicts (2 of 4 stars). 22 submissions from 21 submitters: Pathogenic (16); Likely pathogenic (2). 4 of the submissions do not count toward it. Last evaluated 2025-11-24.
ClinVar aggregate classification (somatic clinical impact): Tier I - Strong (1 of 4 stars; one submission).

Conditions:
VHL-related disorder. Also called: VHL-related condition.
Chuvash polycythemia. Also called: POLYCYTHEMIA, VHL-DEPENDENT. Identifiers: Orphanet 238557, MedGen C1837915, MONDO:0009892, OMIM 263400.
Von Hippel-Lindau syndrome (VHLS). Also called: VHL syndrome; von Hippel–Lindau syndrome; Von Hippel-Lindau. Identifiers: Orphanet 892, MedGen C0019562, MONDO:0008667, OMIM 193300. Disease mechanism: loss of function.
Hereditary cancer-predisposing syndrome. Also called: Tumor predisposition; Hereditary neoplastic syndrome; Hereditary Cancer Syndrome; Neoplastic Syndromes, Hereditary. Identifiers: Orphanet 140162, MedGen C0027672, MeSH D009386, MONDO:0015356.
Nonpapillary renal cell carcinoma. Identifiers: Orphanet 422526, MedGen CN074294, MONDO:0007763, OMIM 144700.
Pheochromocytoma. Also called: MAX-Related Hereditary Paraganglioma-Pheochromocytoma Syndrome. Identifiers: Orphanet 29072, MedGen C0031511, MONDO:0008233, OMIM 171300, HP:0002666.

Allele frequency attached by ClinVar (database versions not stated): ExAC 0.00001; gnomAD 0.00001; gnomAD exomes 0.00001.

Submissions 1 to 7 of 23:

Labcorp Genetics (formerly Invitae), Labcorp
Classification: Pathogenic for Von Hippel-Lindau syndrome; Chuvash polycythemia. Last evaluated: 2025-11-24. Review status: criteria provided, single submitter. Criteria: Invitae Variant Classification Sherloc (09022015). Collection method: clinical testing. Allele origin: germline.
Comment: This sequence change replaces arginine, which is basic and polar, with tryptophan, which is neutral and slightly polar, at codon 167 of the VHL protein (p.Arg167Trp). This variant is present in population databases (rs5030820, gnomAD 0.0009%). This missense change has been observed in individual(s) with von Hippel-Lindau syndrome and pheochromocytoma (PMID: 7987306, 9829912, 12000816, 15300849, 19464396, 23512077, 25563310). It has also been observed to segregate with disease in related individuals. ClinVar contains an entry for this variant (Variation ID: 2218). Invitae Evidence Modeling of protein sequence and biophysical properties (such as structural, functional, and spatial information, amino acid conservation, physicochemical variation, residue mobility, and thermodynamic stability) indicates that this missense variant is expected to disrupt VHL protein function with a positive predictive value of 95%. Experimental studies have shown that this missense change affects VHL function (PMID: 14973063). This variant disrupts the p.Arg167 amino acid residue in VHL. Other variant(s) that disrupt this residue have been determined to be pathogenic (PMID: 7987306, 9829911, 19574279, 21463266, 22799452). This suggests that this residue is clinically significant, and that variants that disrupt this residue are likely to be disease-causing. For these reasons, this variant has been classified as Pathogenic.

Genetics Laboratory, Great Ormond Street Hospital NHS Foundation Trust, North Thames Genomic Laboratory Hub
Classification: Pathogenic for Von Hippel Lindau syndrome. Last evaluated: 2025-11-21. Review status: criteria provided, single submitter. Criteria: CanVIG Consensus Spec V3.0. Collection method: clinical testing. Allele origin: germline. Affected: yes.
Comment: PS4_strong, PM2_supporting, PP3_supporting, PS3_supporting, PM1_moderate, PP1_moderate

Ambry Genetics
Classification: Pathogenic for Hereditary cancer-predisposing syndrome. Last evaluated: 2025-06-25. Review status: criteria provided, single submitter. Criteria: Ambry Variant Classification Scheme 2023. Collection method: clinical testing. Allele origin: germline.
Comment: The p.R167W pathogenic mutation (also known as c.499C>T), located in coding exon 3 of the VHL gene, results from a C to T substitution at nucleotide position 499. The arginine at codon 167 is replaced by tryptophan, an amino acid with dissimilar properties. The p.R167W mutation has been reported in multiple patients and families with von Hippel-Lindau (VHL) syndrome (Babinska A et al. Neuro Endocrinol. Lett. 2015 Dec;36:517-20; Vikkath N et al. Fam. Cancer. 2015 Dec;14:585-94; Lee JS et al. BMC Med. Genet. 2016 Jul;17:48; Pandit R et al. Eur. J. Endocrinol. 2016 Oct;175(4):311-23; Chew WHW et al. Mol Genet Genomic Med. 2017 Sep;5(5):602-607) and is considered one of the most common mutations in the VHL gene. Available evidence suggests that germline mutations at codon 167 convey an increased risk for developing pheochromocytoma (Crossey PA et al. Hum. Mol. Genet. 1994 Aug;3:1303-8; Chen F et al. Hum. Mut. 1995;5:66-75; Zbar B et al. Hum. Mutat. 1996;8:348-57; Olschwang S et al. Hum. Mut. 1998;12:424-30; Fishbein L et al. Ann. Surg. Oncol. 2013 May;20:1444-50). In one study of sporadic versus hereditary pancreatic islet cell tumors (ICTs), ICTs were found in 7 of 15 individuals (47%) with this mutation. In contrast, ICTs were found in only 1% of individuals with the p.Y98H founder mutation, suggesting an increased risk for ICTs in carriers of the p.R167W mutation (Erlic Z et al. Endocr. Relat. Cancer. 2010 Oct;17:875-83). The p.R167W mutation has been shown in transfection assays to prevent elongin-mediated stabilization of the VHL protein (Schoenfeld AR et al. Proc. Natl. Acad. Sci .USA. 2000 Jul;97:8507-12). Of note, this mutation is also designated as p.R238W (c.712C>T) in published literature. Based on the available evidence, this alteration is classified as a pathogenic mutation.

KCCC/NGS Laboratory, Kuwait Cancer Control Center
Classification: Pathogenic for Pheochromocytoma. Last evaluated: 2025-01-20. Review status: criteria provided, single submitter. Criteria: ACMG Guidelines, 2015. Collection method: clinical testing. Allele origin: germline. Inheritance: Autosomal dominant inheritance. Affected: yes. Observed: 1 heterozygote.
Comment: This sequence change replaces arginine, which is basic and polar, with tryptophan, which is neutral and slightly polar, at codon 167 of the VHL protein (p.Arg167Trp). This variant is present in population databases (rs5030820, gnomAD 0.0009%). This missense change has been observed in individual(s) with von Hippel-Lindau syndrome and pheochromocytoma (PMID: 28873162, 14973063, 10205047, 9156047, 21519372, 23512077, 18836774, 12000816, 25119015, 19602254, 10900011, 7987306, 25563310, 27539324, 27527340, 27682873, 28944243, 28094316, 9829912, 22799452, 9829911, 8956040, 29124493, 25390905, 16042317, 29616089, 30522901, 30042107, 20233476, 29625052, 33745191, 32561571, 31589614, 30787465, 34377882, 34439168, 33828526, 34036514). It has also been observed to segregate with disease in related individuals. ClinVar contains an entry for this variant (Variation ID: 2218). In silico analysis, which includes protein predictors and evolutionary conservation, supports a deleterious effect. This variant disrupts the p.Arg167 amino acid residue in VHL. Other variant(s) that disrupt this residue have been determined to be pathogenic (PMID: 7987306, 9829911, 19574279, 21463266, 22799452). This suggests that this residue is clinically significant, and that variants that disrupt this residue are likely to be disease-causing. For these reasons, this variant has been classified as Pathogenic.

3billion
Classification: Pathogenic for Von Hippel-Lindau syndrome. Last evaluated: 2024-08-22. Review status: criteria provided, single submitter. Criteria: ACMG Guidelines, 2015. Collection method: clinical testing. Allele origin: germline. Affected: yes.
Comment: The variant is observed at an extremely low frequency in the gnomAD v4.0.0 dataset (total allele frequency: <0.001%). Predicted Consequence/Location: Missense variant Functional studies provide supporting evidence of the variant having a damaging effect on the gene or gene product (PMID: 14973063). In silico tool predictions suggest damaging effect of the variant on gene or gene product [REVEL: 0.87 (>=0.6, sensitivity 0.68 and specificity 0.92); 3Cnet: 0.99 (>=0.6, sensitivity 0.72 and precision 0.9)]. The same nucleotide change resulting in the same amino acid change has been previously reported as pathogenic/likely pathogenic with strong evidence (ClinVar ID: VCV000002218 /PMID: 7987306). The variant has been observed in multiple (>3) similarly affected unrelated individuals (PMID: 15300849, 19464396, 25563310, 9829912). The variant has been reported to co-segregate with the disease in at least 7 similarly affected relatives/individuals in at least two unrelated families (PMID: 25563310, 9829912). Different missense changes at the same codon (p.Arg167Gln, p.Arg167Gly, p.Arg167Leu, p.Arg167Pro) have been reported as pathogenic/likely pathogenic with strong evidence (ClinVar ID: VCV000002216, VCV000002219, VCV000428799, VCV000526685 /PMID: 21463266, 28388566, 7987306). Therefore, this variant is classified as Pathogenic according to the recommendation of ACMG/AMP guideline.

Mayo Clinic Laboratories, Mayo Clinic
Classification: Pathogenic. Last evaluated: 2024-07-15. Review status: criteria provided, single submitter. Criteria: ACMG Guidelines, 2015. Collection method: clinical testing. Allele origin: germline. Observed: 2 variant alleles.
Comment: PP1_strong, PP3, PM1, PM2, PS3_supporting, PS4_very_strong

Institute for Genomic Medicine (IGM) Clinical Laboratory, Nationwide Children's Hospital
Classification: Tier I - Strong for Pheochromocytoma. Assertion type: diagnostic. Clinical significance: supports diagnosis. Last evaluated: 2024-07-12. Review status: criteria provided, single submitter. Criteria: AMP/ASCO/CAP Guidelines, 2017. Collection method: clinical testing. Allele origin: somatic. Affected: yes.
Comment: Variant has Tier I (strong) clinical significance as a diagnostic inclusion criterion in pheochromocytoma, based on the following evidence: 1) Documented in one or more cancer databases (e.g., St. Jude Pecan, COSMIC, CIViC, OncoKB). 2) Appears in one or more well-established professional guidelines (e.g., World Health Organization [WHO]; National Comprehensive Cancer Network [NCCN]) as providing diagnostic, prognostic, or therapeutic information. 3) Information in the literature supports potential biologic effect of variant (PMID: 14973063). 4) Diagnostic for a specific tumor type/classification based on well-powered studies with expert-level consensus (Evidence Level B; PMIDs: 21784903, 25545346, 28162975, 29413423, 33362715, 36854674, 12673678).